The following is an entry in ClinVar:

ClinVar aggregate classification (germline): Uncertain significance (1 of 4 stars; one submission).

Allele frequency attached by ClinVar (database versions not stated): gnomAD exomes below 0.00001; ExAC 0.00001.
gnomAD v4.1: 1 of 1,595,534 alleles (0.000063%); highest among the groups gnomAD compares: African/African-American, 0.0013%; no homozygotes.

Submission:

Labcorp Genetics (formerly Invitae), Labcorp
Classification: Uncertain significance. Last evaluated: 2021-09-15. Review status: criteria provided, single submitter. Criteria: Invitae Variant Classification Sherloc (09022015). Collection method: clinical testing. Allele origin: germline.
Comment: Algorithms developed to predict the effect of sequence changes on RNA splicing suggest that this variant may create or strengthen a splice site. In summary, the available evidence is currently insufficient to determine the role of this variant in disease. Therefore, it has been classified as a Variant of Uncertain Significance. Algorithms developed to predict the effect of missense changes on protein structure and function are either unavailable or do not agree on the potential impact of this missense change (SIFT: "Tolerated"; PolyPhen-2: "Possibly Damaging"; Align-GVGD: "Class C0"). This variant has not been reported in the literature in individuals affected with CCDC88A-related conditions. This variant is present in population databases (rs751896167, ExAC 0.01%). This sequence change replaces glutamine with arginine at codon 1017 of the CCDC88A protein (p.Gln1017Arg). The glutamine residue is moderately conserved and there is a small physicochemical difference between glutamine and arginine.

NM_001365480.1(CCDC88A):c.3053A>G (p.Gln1018Arg)

Gene: CCDC88A (coiled-coil and HOOK domain protein 88A; minus strand). Cytogenetic location: 2p16.1.
Variant type: single nucleotide variant.
Coding change: c.3053A>G on transcript NM_001365480.1 (MANE Select); coding-DNA position 3053, A replaced by G.
Protein change: p.Gln1018Arg; replaces glutamine 1018 with arginine.
Molecular consequence: missense variant.
Genome position (GRCh38, 1-based): chr2:55,322,637, T>C on the plus strand (A>G on the coding strand, the complement: CCDC88A is on the minus strand). VCF-style: chr2-55322637-T-C. GRCh37 (hg19) VCF-style: chr2-55549773-T-C.
Other names: c.3050A>G, p.Gln1017Arg (NM_001135597.2, NM_001254943.2); c.3053A>G, p.Gln1018Arg (NM_018084.5); short protein forms Q1017R, Q1018R.
Identifiers: ClinVar variation 1381236 (VCV001381236.6), dbSNP rs751896167, ClinGen allele CA1665851.